The following is an entry in ClinVar:

NM_020911.2(PLXNA4):c.4628C>T (p.Ser1543Phe)

Gene: PLXNA4 (plexin A4; minus strand). Cytogenetic location: 7q32.3.
Variant type: single nucleotide variant.
Coding change: c.4628C>T on transcript NM_020911.2 (MANE Select); coding-DNA position 4628, C replaced by T.
Protein change: p.Ser1543Phe; replaces serine 1543 with phenylalanine.
Molecular consequence: missense variant.
Genome position (GRCh38, 1-based): chr7:132,159,505, G>A on the plus strand (C>T on the coding strand, the complement: PLXNA4 is on the minus strand). VCF-style: chr7-132159505-G-A. GRCh37 (hg19) VCF-style: chr7-131844264-G-A.
Other names: c.4628C>T, p.Ser1543Phe (NM_001393897.1); short protein forms S1543F.
Identifiers: ClinVar variation 5001689 (VCV005001689.1).

ClinVar aggregate classification (germline): Uncertain significance (1 of 4 stars; one submission).

Conditions:
PLXNA4-related disorder. Also called: PLXNA4-related condition.

Submission:

PreventionGenetics, part of Exact Sciences
Classification: Uncertain significance for PLXNA4-related condition. Last evaluated: 2025-05-13. Review status: criteria provided, single submitter. Criteria: ACMG Guidelines, 2015. Collection method: clinical testing. Allele origin: germline.
Comment: The PLXNA4 c.4628C>T variant is predicted to result in the amino acid substitution p.Ser1543Phe. To our knowledge, this variant has not been reported in the literature or in a large population database (gnomAD), indicating this variant is rare. At this time, the clinical significance of this variant is uncertain due to the absence of conclusive functional and genetic evidence.